The following is an entry in ClinVar:

ClinVar aggregate classification (germline): Conflicting classifications of pathogenicity. Review status: criteria provided, conflicting classifications (1 of 4 stars). 2 submissions from 2 submitters: Pathogenic (1); Uncertain significance (1). Last evaluated 2023-12-11.

Conditions:
Combined malonic and methylmalonic acidemia. Identifiers: Orphanet 289504, MedGen C3280314, MONDO:0013661, OMIM 614265.

Allele frequency attached by ClinVar (database versions not stated): ExAC 0.00003; gnomAD 0.00001; gnomAD exomes 0.00001 and 0.00002; TOPMed 0.00001.
gnomAD v4.1: 7 of 1,601,166 alleles (0.00044%); highest among the groups gnomAD compares: African/African-American, 0.0027%; no homozygotes.

Submissions (2):

Labcorp Genetics (formerly Invitae), Labcorp
Classification: Uncertain significance for Combined malonic and methylmalonic acidemia. Last evaluated: 2023-12-11. Review status: criteria provided, single submitter. Criteria: Invitae Variant Classification Sherloc (09022015). Collection method: clinical testing. Allele origin: germline.
Comment: This sequence change replaces alanine, which is neutral and non-polar, with threonine, which is neutral and polar, at codon 197 of the ACSF3 protein (p.Ala197Thr). The frequency data for this variant in the population databases is considered unreliable, as metrics indicate poor data quality at this position in the gnomAD database. This variant has not been reported in the literature in individuals affected with ACSF3-related conditions. ClinVar contains an entry for this variant (Variation ID: 203607). Advanced modeling of protein sequence and biophysical properties (such as structural, functional, and spatial information, amino acid conservation, physicochemical variation, residue mobility, and thermodynamic stability) has been performed at Invitae for this missense variant, however the output from this modeling did not meet the statistical confidence thresholds required to predict the impact of this variant on ACSF3 protein function. In summary, the available evidence is currently insufficient to determine the role of this variant in disease. Therefore, it has been classified as a Variant of Uncertain Significance.

GeneDx
Classification: Pathogenic. Last evaluated: 2014-02-28. Review status: criteria provided, single submitter. Criteria: GeneDx Variant Classification (06012015). Collection method: clinical testing. Allele origin: germline. Affected: yes.
Comment: This mutation is denoted p.Ala197Thr at the protein level, c.589 G>A at the cDNA level, and results in the replacement of an Alanine with a Threonine (GCC>ACC) in exon 3 of the ACSF3 gene (NM_174917.3). Mutations in the ACSF3 gene are associated with the autosomal recessive disorder combined malonic and methylmalonic aciduria (CMAMMA). p.A197T has not been published as a mutation or reported as a benign polymorphism to our knowledge. The A197T missense mutation is a non-conservative amino acid substitution, which is likely to impact secondary protein structure as these residues differ in polarity, charge, size and/or other properties. This substitution occurs at a position that is conserved across species. In silico analysis predicts that A197T is probably damaging to the protein structure/function. Therefore, we interpret A197T to be a pathogenic mutation. The variant is found in MMA-MET panel(s).

NM_001243279.3(ACSF3):c.589G>A (p.Ala197Thr)

Gene: ACSF3 (acyl-CoA synthetase family member 3; plus strand). Cytogenetic location: 16q24.3.
Variant type: single nucleotide variant.
Coding change: c.589G>A on transcript NM_001243279.3 (MANE Select); coding-DNA position 589, G replaced by A.
Protein change: p.Ala197Thr; replaces alanine 197 with threonine.
Molecular consequence: missense variant. On other transcripts: non-coding transcript variant (3), intron variant (1).
Genome position (GRCh38, 1-based): chr16:89,101,270, G>A. VCF-style: chr16-89101270-G-A. GRCh37 (hg19) VCF-style: chr16-89167678-G-A.
Other names: p.A197T:GCC>ACC; c.589G>A, p.Ala197Thr (NM_001127214.4, NM_174917.5); c.-129-1334G>A (NM_001284316.2); short protein forms A197T.
Identifiers: ClinVar variation 203607 (VCV000203607.6), dbSNP rs761573352, ClinGen allele CA312312.